The following is an entry in ClinVar:

ClinVar aggregate classification (germline): Pathogenic (1 of 4 stars; one submission).

Submission:

GeneDx
Classification: Pathogenic. Last evaluated: 2026-02-25. Review status: criteria provided, single submitter. Criteria: GeneDx Variant Classification Process June 2021. Collection method: clinical testing. Allele origin: germline.
Comment: Nonsense variant predicted to result in protein truncation or nonsense mediated decay in a gene for which loss of function is a known mechanism of disease; Not observed at significant frequency in large population cohorts (gnomAD); Has not been previously published as pathogenic or benign to our knowledge

NM_001292034.3(TAB2):c.505C>T (p.Gln169Ter)

Gene: TAB2 (TGF-beta activated kinase 1 (MAP3K7) binding protein 2; plus strand). Cytogenetic location: 6q25.1.
Variant type: single nucleotide variant.
Coding change: c.505C>T on transcript NM_001292034.3 (MANE Select); coding-DNA position 505, C replaced by T.
Protein change: p.Gln169Ter; replaces glutamine 169 with a stop codon.
Molecular consequence: nonsense.
Genome position (GRCh38, 1-based): chr6:149,378,420, C>T. VCF-style: chr6-149378420-C-T. GRCh37 (hg19) VCF-style: chr6-149699556-C-T.
Other names: c.409C>T, p.Gln137Ter (NM_001292035.3); c.505C>T, p.Gln169Ter (NM_001369506.1, NM_015093.6); short protein forms Q137*, Q169*.
Identifiers: ClinVar variation 4975097 (VCV004975097.1).
Genomic context (GRCh38, chr6:149,378,420, plus strand): 5'-TCAAATTCAGCACCACATCTTGGATTTCACTTAGGCAGCAAAGGAACATCTAGCCTTTCT[C>T]AACAAACTCCCAGATTTAATCCCATTATGGTAACTTTAGCCCCAAATATCCAGACTGGTC-3'